The following is an entry in ClinVar:

ClinVar aggregate classification (germline): Uncertain significance. Review status: criteria provided, multiple submitters, no conflicts (2 of 4 stars). 2 submissions from 2 submitters: Uncertain significance (2). Last evaluated 2023-05-04.

Conditions:
Tuberous sclerosis 1 (TSC1). Identifiers: Orphanet 805, MedGen C1854465, MONDO:0008612, OMIM 191100.
Tuberous sclerosis syndrome (TSC). Also called: Tuberous Sclerosis Complex; Tuberous sclerosis. Identifiers: Orphanet 805, MedGen C0041341, MONDO:0001734.

Submissions (2):

All of Us Research Program, National Institutes of Health
Classification: Uncertain significance for Tuberous sclerosis syndrome. Last evaluated: 2023-05-04. Review status: criteria provided, single submitter. Criteria: ACMG Guidelines, 2015. Collection method: clinical testing. Allele origin: germline. Inheritance: Autosomal dominant inheritance. Observed: 1 variant allele, 1 heterozygote.
Comment: This missense variant replaces proline with serine at codon 558 of the TSC1 protein. Computational prediction suggests that this variant may not impact protein structure and function (internally defined REVEL score threshold <= 0.5, PMID: 27666373). To our knowledge, functional studies have not been reported for this variant. This variant has not been reported in individuals affected with TSC1-related disorders in the literature. This variant has not been identified in the general population by the Genome Aggregation Database (gnomAD). The available evidence is insufficient to determine the role of this variant in disease conclusively. Therefore, this variant is classified as a Variant of Uncertain Significance.

This study involves interpretation of variants in research participants for the purpose of population health screening. Participant phenotype was not available at the time of variant classification. Additional details can be found in publication PMID: 35346344, PMCID: PMC8962531

Labcorp Genetics (formerly Invitae), Labcorp
Classification: Uncertain significance for Tuberous sclerosis 1. Last evaluated: 2017-09-17. Review status: criteria provided, single submitter. Criteria: Invitae Variant Classification Sherloc (09022015). Collection method: clinical testing. Allele origin: germline.
Comment: Algorithms developed to predict the effect of missense changes on protein structure and function do not agree on the potential impact of this missense change (SIFT: "Deleterious"; PolyPhen-2: "Probably Damaging"; Align-GVGD: "Class C0"). This sequence change replaces proline with serine at codon 558 of the TSC1 protein (p.Pro558Ser). The proline residue is highly conserved and there is a moderate physicochemical difference between proline and serine. This variant is not present in population databases (ExAC no frequency). This variant has not been reported in the literature in individuals with TSC1-related disease. In summary, the available evidence is currently insufficient to determine the role of this variant in disease. Therefore, it has been classified as a Variant of Uncertain Significance.

NM_000368.5(TSC1):c.1672C>T (p.Pro558Ser)

Gene: TSC1 (TSC complex subunit 1; minus strand). Cytogenetic location: 9q34.13.
Variant type: single nucleotide variant.
Coding change: c.1672C>T on transcript NM_000368.5 (MANE Select); coding-DNA position 1672, C replaced by T.
Protein change: p.Pro558Ser; replaces proline 558 with serine.
Molecular consequence: missense variant.
Genome position (GRCh38, 1-based): chr9:132,905,906, G>A on the plus strand (C>T on the coding strand, the complement: TSC1 is on the minus strand). VCF-style: chr9-132905906-G-A. GRCh37 (hg19) VCF-style: chr9-135781293-G-A.
Other names: c.1669C>T, p.Pro557Ser (NM_001162426.2); c.1519C>T, p.Pro507Ser (NM_001162427.2); c.1309C>T, p.Pro437Ser (NM_001362177.2); short protein forms P558S, P437S, P557S, P507S.
Identifiers: ClinVar variation 534456 (VCV000534456.9), dbSNP rs1554815946, ClinGen allele CA375364310.
Genomic context (GRCh38, chr9:132,905,906, plus strand): 5'-TCTCCAAAGAAGTCTGGCATTCCCTGTCTCCCGCAGGGCTTTCATCAGCACTGCCGCAGG[G>A]CAGGTCTATGGGAGTAAAGGCTTGCTTTGGTGTGTCAGGCCCAAGCTTGTCCAGGGAGGA-3'
Protein context (NP_000359.1, residues 548-568): PKQAFTPIDL[Pro558Ser]CGSADESPAG